The following is an entry in ClinVar:

ClinVar aggregate classification (germline): Uncertain significance (1 of 4 stars; one submission).

Conditions:
Zellweger spectrum disorders (ZS). Also called: Zellweger syndrome; Zellweger Spectrum Disorder (ZSD); Zellweger Spectrum Disorder; Zellweger Spectrum. Identifiers: Orphanet 912, MedGen C0043459, MONDO:0019609.

Allele frequency attached by ClinVar (database versions not stated): gnomAD exomes below 0.00001.
gnomAD v4.1: 15 of 1,613,316 alleles (0.00093%); highest among the groups gnomAD compares: Middle Eastern, 0.016%; no homozygotes.

Submission:

Labcorp Genetics (formerly Invitae), Labcorp
Classification: Uncertain significance for Zellweger spectrum disorders. Last evaluated: 2025-03-31. Review status: criteria provided, single submitter. Criteria: Invitae Variant Classification Sherloc (09022015). Collection method: clinical testing. Allele origin: germline.
Comment: This sequence change replaces alanine, which is neutral and non-polar, with serine, which is neutral and polar, at codon 381 of the PEX1 protein (p.Ala381Ser). This variant is present in population databases (rs540780825, gnomAD 0.0009%). This variant has not been reported in the literature in individuals affected with PEX1-related conditions. ClinVar contains an entry for this variant (Variation ID: 1356733). Invitae Evidence Modeling of protein sequence and biophysical properties (such as structural, functional, and spatial information, amino acid conservation, physicochemical variation, residue mobility, and thermodynamic stability) indicates that this missense variant is not expected to disrupt PEX1 protein function with a negative predictive value of 95%. In summary, the available evidence is currently insufficient to determine the role of this variant in disease. Therefore, it has been classified as a Variant of Uncertain Significance.

NM_000466.3(PEX1):c.1141G>T (p.Ala381Ser)

Gene: PEX1 (peroxisomal biogenesis factor 1; minus strand). Cytogenetic location: 7q21.2.
Variant type: single nucleotide variant.
Coding change: c.1141G>T on transcript NM_000466.3 (MANE Select); coding-DNA position 1141, G replaced by T.
Protein change: p.Ala381Ser; replaces alanine 381 with serine.
Molecular consequence: missense variant.
Genome position (GRCh38, 1-based): chr7:92,517,374, C>A on the plus strand (G>T on the coding strand, the complement: PEX1 is on the minus strand). VCF-style: chr7-92517374-C-A. GRCh37 (hg19) VCF-style: chr7-92146688-C-A.
Other names: c.1141G>T, p.Ala381Ser (NM_001282677.2); c.517G>T, p.Ala173Ser (NM_001282678.2); short protein forms A381S, A173S.
Identifiers: ClinVar variation 1356733 (VCV001356733.4), dbSNP rs540780825, ClinGen allele CA161973304.